The following is an entry in ClinVar:

NM_024529.5(CDC73):c.305C>G (p.Ala102Gly)

Gene: CDC73 (cell division cycle 73; plus strand). Cytogenetic location: 1q31.2.
Variant type: single nucleotide variant.
Coding change: c.305C>G on transcript NM_024529.5 (MANE Select); coding-DNA position 305, C replaced by G.
Protein change: p.Ala102Gly; replaces alanine 102 with glycine.
Molecular consequence: missense variant.
Genome position (GRCh38, 1-based): chr1:193,130,241, C>G. VCF-style: chr1-193130241-C-G. GRCh37 (hg19) VCF-style: chr1-193099371-C-G.
Other names: short protein forms A102G.
Identifiers: ClinVar variation 2585781 (VCV002585781.5), dbSNP rs778134705, ClinGen allele CA343973415.

ClinVar aggregate classification (germline): Uncertain significance. Review status: criteria provided, multiple submitters, no conflicts (2 of 4 stars). 2 submissions from 2 submitters: Uncertain significance (2). Last evaluated 2024-02-07.

Conditions:
Hereditary cancer-predisposing syndrome. Also called: Hereditary neoplastic syndrome; Tumor predisposition; Hereditary Cancer Syndrome; Neoplastic Syndromes, Hereditary. Identifiers: Orphanet 140162, MedGen C0027672, MeSH D009386, MONDO:0015356.
Parathyroid carcinoma (PRTC). Also called: Parathyroid gland carcinoma; CDC73-Related Parathyroid Carcinoma. Identifiers: Orphanet 143, MedGen C0687150, MONDO:0012004, OMIM 608266, HP:0006780.

gnomAD v4.1: 1 of 1,542,486 alleles (0.000065%); highest among the groups gnomAD compares: Non-Finnish European, 0.00009%; no homozygotes.

Submissions (2):

Labcorp Genetics (formerly Invitae), Labcorp
Classification: Uncertain significance for Parathyroid carcinoma. Last evaluated: 2024-02-07. Review status: criteria provided, single submitter. Criteria: Invitae Variant Classification Sherloc (09022015). Collection method: clinical testing. Allele origin: germline.
Comment: This sequence change replaces alanine, which is neutral and non-polar, with glycine, which is neutral and non-polar, at codon 102 of the CDC73 protein (p.Ala102Gly). This variant is not present in population databases (gnomAD no frequency). This variant has not been reported in the literature in individuals affected with CDC73-related conditions. ClinVar contains an entry for this variant (Variation ID: 2585781). An algorithm developed to predict the effect of missense changes on protein structure and function (PolyPhen-2) suggests that this variant is likely to be tolerated. Algorithms developed to predict the effect of sequence changes on RNA splicing suggest that this variant may create or strengthen a splice site. In summary, the available evidence is currently insufficient to determine the role of this variant in disease. Therefore, it has been classified as a Variant of Uncertain Significance.

Ambry Genetics
Classification: Uncertain significance for Hereditary cancer-predisposing syndrome. Last evaluated: 2023-09-12. Review status: criteria provided, single submitter. Criteria: Ambry Variant Classification Scheme 2023. Collection method: clinical testing. Allele origin: germline.
Comment: The p.A102G variant (also known as c.305C>G), located in coding exon 3 of the CDC73 gene, results from a C to G substitution at nucleotide position 305. The alanine at codon 102 is replaced by glycine, an amino acid with similar properties. This amino acid position is not well conserved in available vertebrate species. In addition, this alteration is predicted to be tolerated by in silico analysis. Since supporting evidence is limited at this time, the clinical significance of this alteration remains unclear.

Literature cited by the submitters: PubMed 23709761 (cited by Ambry Genetics).